The following is an entry in ClinVar:

NM_000286.3(PEX12):c.117T>G (p.His39Gln)

Gene: PEX12 (peroxisomal biogenesis factor 12; minus strand). Cytogenetic location: 17q12.
Variant type: single nucleotide variant.
Coding change: c.117T>G on transcript NM_000286.3 (MANE Select); coding-DNA position 117, T replaced by G.
Protein change: p.His39Gln; replaces histidine 39 with glutamine.
Molecular consequence: missense variant.
Genome position (GRCh38, 1-based): chr17:35,577,905, A>C on the plus strand (T>G on the coding strand, the complement: PEX12 is on the minus strand). VCF-style: chr17-35577905-A-C. GRCh37 (hg19) VCF-style: chr17-33904924-A-C.
Other names: short protein forms H39Q.
Identifiers: ClinVar variation 167448 (VCV000167448.9), dbSNP rs727504078, ClinGen allele CA234522.

ClinVar aggregate classification (germline): Uncertain significance. Review status: criteria provided, multiple submitters, no conflicts (2 of 4 stars). 2 submissions from 2 submitters: Uncertain significance (2). Last evaluated 2022-02-04.

Conditions:
Peroxisome biogenesis disorder 3A (Zellweger). Also called: PEROXISOMAL BIOGENESIS DISORDER 3A (ZELLWEGER); Peroxisome biogenesis disorder 3A. Identifiers: Orphanet 912, MedGen C3553929, MONDO:0013927, OMIM 614859.

Submissions (2):

Labcorp Genetics (formerly Invitae), Labcorp
Classification: Uncertain significance for Peroxisome biogenesis disorder 3A (Zellweger). Last evaluated: 2022-02-04. Review status: criteria provided, single submitter. Criteria: Invitae Variant Classification Sherloc (09022015). Collection method: clinical testing. Allele origin: germline.
Comment: This sequence change replaces histidine, which is basic and polar, with glutamine, which is neutral and polar, at codon 39 of the PEX12 protein (p.His39Gln). This variant is not present in population databases (gnomAD no frequency). This variant has not been reported in the literature in individuals affected with PEX12-related conditions. ClinVar contains an entry for this variant (Variation ID: 167448). Algorithms developed to predict the effect of missense changes on protein structure and function are either unavailable or do not agree on the potential impact of this missense change (SIFT: "Deleterious"; PolyPhen-2: "Probably Damaging"; Align-GVGD: "Class C0"). Algorithms developed to predict the effect of sequence changes on RNA splicing suggest that this variant may create or strengthen a splice site. In summary, the available evidence is currently insufficient to determine the role of this variant in disease. Therefore, it has been classified as a Variant of Uncertain Significance.

Eurofins Ntd Llc (ga)
Classification: Uncertain significance. Last evaluated: 2014-02-10. Review status: criteria provided, single submitter. Criteria: EGL Classification Definitions 2015. Collection method: clinical testing. Allele origin: germline. Observed: 1 variant allele, 1 heterozygote.